The following is an entry in ClinVar:

NM_001256071.3(RNF213):c.2700A>C (p.Gln900His)

Gene: RNF213 (ring finger protein 213; plus strand). Cytogenetic location: 17q25.3.
Variant type: single nucleotide variant.
Coding change: c.2700A>C on transcript NM_001256071.3 (MANE Select); coding-DNA position 2700, A replaced by C.
Protein change: p.Gln900His; replaces glutamine 900 with histidine.
Molecular consequence: missense variant.
Genome position (GRCh38, 1-based): chr17:80,313,056, A>C. VCF-style: chr17-80313056-A-C. GRCh37 (hg19) VCF-style: chr17-78286856-A-C.
Other names: c.2847A>C, p.Gln949His (NM_001410195.1, NM_020914.5); c.2700A>C, p.Gln900His (NM_020954.4); short protein forms Q900H, Q949H.
Identifiers: ClinVar variation 3688944 (VCV003688944.2).
Genomic context (GRCh38, chr17:80,313,056, plus strand): 5'-TCTTGTGTGACAACAGGATTCTGCAGGACAGAGAGATGAAACTGGAAATAATTCAGTCCA[A>C]ACAGTCTTCCAAGGGACCCTTGCTGCTACGAAAAGGTGGCTCCGAGAAGTTTTTACAAAG-3'
Protein context (NP_001243000.2, residues 890-910): QRDETGNNSV[Gln900His]TVFQGTLAAT

ClinVar aggregate classification (germline): Uncertain significance (1 of 4 stars; one submission).

gnomAD v4.1: 4 of 1,613,942 alleles (0.00025%); highest among the groups gnomAD compares: Non-Finnish European, 0.00034%; no homozygotes.

Submission:

Labcorp Genetics (formerly Invitae), Labcorp
Classification: Uncertain significance. Last evaluated: 2024-11-23. Review status: criteria provided, single submitter. Criteria: Invitae Variant Classification Sherloc (09022015). Collection method: clinical testing. Allele origin: germline.
Comment: This sequence change replaces glutamine, which is neutral and polar, with histidine, which is basic and polar, at codon 900 of the RNF213 protein (p.Gln900His). This variant is not present in population databases (gnomAD no frequency). This variant has not been reported in the literature in individuals affected with RNF213-related conditions. Invitae Evidence Modeling of protein sequence and biophysical properties (such as structural, functional, and spatial information, amino acid conservation, physicochemical variation, residue mobility, and thermodynamic stability) indicates that this missense variant is not expected to disrupt RNF213 protein function with a negative predictive value of 95%. In summary, the available evidence is currently insufficient to determine the role of this variant in disease. Therefore, it has been classified as a Variant of Uncertain Significance.